The following is an entry in ClinVar:

NM_005359.6(SMAD4):c.294C>T (p.Leu98=)

Gene: SMAD4 (SMAD family member 4; plus strand). Cytogenetic location: 18q21.2.
Variant type: single nucleotide variant.
Coding change: c.294C>T on transcript NM_005359.6 (MANE Select); coding-DNA position 294, C replaced by T.
Protein change: p.Leu98=; no amino-acid change (leucine 98 retained).
Molecular consequence: synonymous variant.
Genome position (GRCh38, 1-based): chr18:51,048,730, C>T. VCF-style: chr18-51048730-C-T. GRCh37 (hg19) VCF-style: chr18-48575100-C-T.
Identifiers: ClinVar variation 484814 (VCV000484814.43), dbSNP rs202126703, ClinGen allele CA8965765.

ClinVar aggregate classification (germline): Benign/Likely benign. Review status: criteria provided, multiple submitters, no conflicts (2 of 4 stars). 10 submissions from 10 submitters: Benign (1); Likely benign (9). Last evaluated 2026-06-13.

Conditions:
Familial thoracic aortic aneurysm and aortic dissection (TAAD). Also called: Thoracic aortic aneurysms and dissections. Identifiers: Orphanet 91387, MedGen C4707243, MONDO:0019625.
Hereditary cancer-predisposing syndrome. Also called: Hereditary neoplastic syndrome; Tumor predisposition; Neoplastic Syndromes, Hereditary; Hereditary Cancer Syndrome. Identifiers: Orphanet 140162, MedGen C0027672, MeSH D009386, MONDO:0015356.
Juvenile polyposis/hereditary hemorrhagic telangiectasia syndrome (JPHT). Also called: POLYPOSIS, GENERALIZED JUVENILE, WITH PULMONARY ARTERIOVENOUS MALFORMATION; TELANGIECTASIA, HEREDITARY HEMORRHAGIC, WITH JUVENILE POLYPOSIS COLI; Juvenile Polyposis Syndrome / Hereditary Hemorrhagic Telangiectasia (JPS/HHT); JP/HHT SYNDROME; JUVENILE POLYPOSIS WITH HEREDITARY HEMORRHAGIC TELANGIECTASIA. Identifiers: Orphanet 2929, MedGen C1832942, MONDO:0008278, OMIM 175050.
SMAD4-related disorder. Also called: SMAD4-related condition; SMAD4-Related disorders.
Juvenile polyposis syndrome (JPS). Identifiers: Orphanet 2929, MedGen C0345893, MONDO:0017380, OMIM 174900.

Allele frequency attached by ClinVar (database versions not stated): TOPMed below 0.00001; ExAC 0.00002; gnomAD exomes 0.00002.
gnomAD v4.1: 9 of 1,614,048 alleles (0.00056%); highest among the groups gnomAD compares: Middle Eastern, 0.033%; no homozygotes.

Submissions (10):

PreventionGenetics, part of Exact Sciences
Classification: Likely benign for SMAD4-related condition. Last evaluated: 2026-06-13. Review status: criteria provided, single submitter. Criteria: ACMG Guidelines, 2015. Collection method: clinical testing. Allele origin: germline.
Comment: This variant is classified as likely benign based on ACMG/AMP sequence variant interpretation guidelines (Richards et al. 2015 PMID: 25741868, with internal and published modifications).

Labcorp Genetics (formerly Invitae), Labcorp
Classification: Likely benign for Juvenile polyposis syndrome. Last evaluated: 2025-12-24. Review status: criteria provided, single submitter. Criteria: Invitae Variant Classification Sherloc (09022015). Collection method: clinical testing. Allele origin: germline.

CeGaT Center for Human Genetics Tuebingen
Classification: Likely benign. Last evaluated: 2025-07-01. Review status: criteria provided, single submitter. Criteria: CeGaT Center For Human Genetics Tuebingen Variant Classification Criteria Version 2. Collection method: clinical testing. Allele origin: germline. Affected: yes. Observed: 2 variant alleles.
Comment: SMAD4: BP4, BP7

Myriad Genetics, Inc.
Classification: Benign for Juvenile polyposis/hereditary hemorrhagic telangiectasia syndrome. Last evaluated: 2025-03-18. Review status: criteria provided, single submitter. Criteria: Myriad Autosomal Dominant, Autosomal Recessive and X-Linked Classification Criteria (2023). Collection method: clinical testing. Allele origin: unknown.
Comment: This variant is considered benign. This variant is a silent/synonymous amino acid change, and it is not expected to impact splicing.

Blueprint Genetics
Classification: Likely benign. Last evaluated: 2024-09-23. Review status: criteria provided, single submitter. Criteria: ACMG Guidelines, 2015. Collection method: clinical testing. Allele origin: germline.

All of Us Research Program, National Institutes of Health
Classification: Likely benign for Juvenile polyposis/hereditary hemorrhagic telangiectasia syndrome. Last evaluated: 2023-12-13. Review status: criteria provided, single submitter. Criteria: ACMG Guidelines, 2015. Collection method: clinical testing. Allele origin: germline. Inheritance: Autosomal dominant inheritance. Observed: 3 variant alleles, 3 heterozygotes.
Comment: This study involves interpretation of variants in research participants for the purpose of population health screening. Participant phenotype was not available at the time of variant classification. Additional details can be found in publication PMID: 35346344, PMCID: PMC8962531

Sema4
Classification: Likely benign for Hereditary cancer-predisposing syndrome. Last evaluated: 2021-12-13. Review status: criteria provided, single submitter. Criteria: Sema4 Curation Guidelines. Collection method: curation. Allele origin: germline.

GeneDx
Classification: Likely benign. Last evaluated: 2018-02-28. Review status: criteria provided, single submitter. Criteria: GeneDx Variant Classification (06012015). Collection method: clinical testing. Allele origin: germline. Affected: yes.
Comment: This variant is considered likely benign or benign based on one or more of the following criteria: it is a conservative change, it occurs at a poorly conserved position in the protein, it is predicted to be benign by multiple in silico algorithms, and/or has population frequency not consistent with disease.

Ambry Genetics
Classification: Likely benign for Hereditary cancer-predisposing syndrome; Familial thoracic aortic aneurysm and aortic dissection. Last evaluated: 2016-12-21. Review status: criteria provided, single submitter. Criteria: Ambry Variant Classification Scheme 2023. Collection method: clinical testing. Allele origin: germline.

Color Diagnostics, LLC DBA Color Health
Classification: Likely benign for Hereditary cancer-predisposing syndrome. Last evaluated: 2016-12-19. Review status: criteria provided, single submitter. Criteria: ACMG Guidelines, 2015. Collection method: clinical testing. Allele origin: germline.